The following is an entry in ClinVar:

ClinVar aggregate classification (germline): Uncertain significance. Review status: criteria provided, multiple submitters, no conflicts (2 of 4 stars). 2 submissions from 2 submitters: Uncertain significance (2). Last evaluated 2025-09-26.

Conditions:
Inborn genetic diseases. Identifiers: MedGen C0950123, MeSH D030342.

Allele frequency attached by ClinVar (database versions not stated): ExAC 0.00009; gnomAD exomes 0.00004 and 0.00012; 1000 Genomes Project 30x 0.00016; TOPMed 0.00061; 1000 Genomes Project 0.00020; ESP Exome Variant Server 0.00071.
gnomAD v4.1: 155 of 1,613,802 alleles (0.0096%); highest among the groups gnomAD compares: African/African-American, 0.19%; 1 homozygote.

Submissions (2):

Ambry Genetics
Classification: Uncertain significance for Inborn genetic diseases. Last evaluated: 2025-09-26. Review status: criteria provided, single submitter. Criteria: Ambry Variant Classification Scheme 2023. Collection method: clinical testing. Allele origin: germline.

Labcorp Genetics (formerly Invitae), Labcorp
Classification: Uncertain significance. Last evaluated: 2025-01-06. Review status: criteria provided, single submitter. Criteria: Invitae Variant Classification Sherloc (09022015). Collection method: clinical testing. Allele origin: germline.
Comment: This sequence change replaces glutamic acid, which is acidic and polar, with aspartic acid, which is acidic and polar, at codon 586 of the LRRK1 protein (p.Glu586Asp). This variant is present in population databases (rs199792081, gnomAD 0.2%). This variant has not been reported in the literature in individuals affected with LRRK1-related conditions. ClinVar contains an entry for this variant (Variation ID: 1417014). An algorithm developed to predict the effect of missense changes on protein structure and function (PolyPhen-2) suggests that this variant¬†is likely to be tolerated. In summary, the available evidence is currently insufficient to determine the role of this variant in disease. Therefore, it has been classified as a Variant of Uncertain Significance.

NM_024652.6(LRRK1):c.1758G>T (p.Glu586Asp)

Gene: LRRK1 (leucine rich repeat kinase 1; plus strand). Cytogenetic location: 15q26.3.
Variant type: single nucleotide variant.
Coding change: c.1758G>T on transcript NM_024652.6 (MANE Select); coding-DNA position 1758, G replaced by T.
Protein change: p.Glu586Asp; replaces glutamic acid 586 with aspartic acid.
Molecular consequence: missense variant.
Genome position (GRCh38, 1-based): chr15:101,021,863, G>T. VCF-style: chr15-101021863-G-T. GRCh37 (hg19) VCF-style: chr15-101562068-G-T.
Other names: c.1758G>T (NM_024652.3); short protein forms E586D.
Identifiers: ClinVar variation 1417014 (VCV001417014.6), dbSNP rs199792081, ClinGen allele CA7761027.